The following is an entry in ClinVar:

NM_024298.5(MBOAT7):c.854+8G>A

Gene: MBOAT7 (membrane bound acylglycerophosphatidylinositol O-acyltransferase MBOAT7; minus strand). Cytogenetic location: 19q13.42.
Variant type: single nucleotide variant.
Coding change: c.854+8G>A on transcript NM_024298.5 (MANE Select); 8 bases into the intron after coding-DNA position 854, G replaced by A.
Molecular consequence: intron variant.
Genome position (GRCh38, 1-based): chr19:54,180,765, C>T on the plus strand (G>A on the coding strand, the complement: MBOAT7 is on the minus strand). VCF-style: chr19-54180765-C-T. GRCh37 (hg19) VCF-style: chr19-54684482-C-T.
Other names: c.635+8G>A (NM_001146056.3, NM_001146083.3); c.854+8G>A (NM_001146082.3).
Identifiers: ClinVar variation 1033622 (VCV001033622.1), dbSNP rs751520193, ClinGen allele CA309346576.
Genomic context (GRCh38, chr19:54,180,765, plus strand): 5'-AGGGGCAGAGCCAGCCCTTGGAGGTGGGGGCTGCTGGGTCTTGGGAAGCCTCCCTCGCGC[C>T]GCCTGACCTGCTGGGGGGTGGGCATTGGAGGGTGGGGCCGCCTCCGGCCCGGGCTTTGGC-3'

ClinVar aggregate classification (germline): Uncertain significance (1 of 4 stars; one submission).

Conditions:
Intellectual developmental disorder, autosomal recessive 57. Also called: Intellectual disability, autosomal recessive 57. Identifiers: MedGen C4310673, MONDO:0014962, OMIM 617188.

Allele frequency attached by ClinVar (database versions not stated): TOPMed 0.00002; gnomAD 0.00002; ExAC 0.00030; gnomAD exomes 0.00002.

Submission:

Baylor Genetics
Classification: Uncertain significance for Intellectual developmental disorder, autosomal recessive 57. Last evaluated: 2018-02-06. Review status: criteria provided, single submitter. Criteria: ACMG Guidelines, 2015. Collection method: clinical testing. Allele origin: unknown. Affected: yes.
Comment: This variant was determined to be of uncertain significance according to ACMG Guidelines, 2015 [PMID:25741868].